The following is an entry in ClinVar:

NM_000135.4(FANCA):c.86G>T (p.Arg29Met)

Gene: FANCA (FA complementation group A; minus strand). Cytogenetic location: 16q24.3.
Variant type: single nucleotide variant.
Coding change: c.86G>T on transcript NM_000135.4 (MANE Select); coding-DNA position 86, G replaced by T.
Protein change: p.Arg29Met; replaces arginine 29 with methionine.
Molecular consequence: missense variant.
Genome position (GRCh38, 1-based): chr16:89,815,980, C>A on the plus strand (G>T on the coding strand, the complement: FANCA is on the minus strand). VCF-style: chr16-89815980-C-A. GRCh37 (hg19) VCF-style: chr16-89882388-C-A.
Other names: c.86G>T (LRG_495t1); c.86G>T, p.Arg29Met (NM_001018112.3, NM_001286167.3, NM_001351830.2); short protein forms R29M.
Identifiers: ClinVar variation 664241 (VCV000664241.10), dbSNP rs764561391, ClinGen allele CA8253182.
Genomic context (GRCh38, chr16:89,815,980, plus strand): 5'-CGCACAGCTGATTCCTTTAATTTCTGTGCCCTTTCAGGATTATATTTTTCCCTCTTGACC[C>A]TTCCCGCTACGGAGAGAAGTCGGTTCGAAACCATCACAGCACAATTCACACACGGGGTCC-3'
Protein context (NP_000126.2, residues 19-39): RRAWAELLAG[Arg29Met]VKREKYNPER

ClinVar aggregate classification (germline): Uncertain significance. Review status: criteria provided, multiple submitters, no conflicts (2 of 4 stars). 3 submissions from 3 submitters: Uncertain significance (2). 1 of the submissions does not count toward it. Last evaluated 2024-10-22.

Conditions:
Fanconi anemia (FA). Also called: Fanconi's anemia. Identifiers: Orphanet 84, MedGen C0015625, MeSH D005199, MONDO:0019391.
Fanconi anemia complementation group A (FANCA). Also called: FANCA-Related Fanconi Anemia; Fanconi anemia, group A. Identifiers: Orphanet 84, MedGen C3469521, MONDO:0009215, OMIM 227650.

Allele frequency attached by ClinVar (database versions not stated): TOPMed below 0.00001.

Submissions (3):

Labcorp Genetics (formerly Invitae), Labcorp
Classification: Uncertain significance for Fanconi anemia. Last evaluated: 2024-10-22. Review status: criteria provided, single submitter. Criteria: Invitae Variant Classification Sherloc (09022015). Collection method: clinical testing. Allele origin: germline.
Comment: This sequence change replaces arginine, which is basic and polar, with methionine, which is neutral and non-polar, at codon 29 of the FANCA protein (p.Arg29Met). This variant is not present in population databases (gnomAD no frequency). This missense change has been observed in individual(s) with primary ovarian insufficiency (PMID: 34480478). ClinVar contains an entry for this variant (Variation ID: 664241). Invitae Evidence Modeling of protein sequence and biophysical properties (such as structural, functional, and spatial information, amino acid conservation, physicochemical variation, residue mobility, and thermodynamic stability) has been performed for this missense variant. However, the output from this modeling did not meet the statistical confidence thresholds required to predict the impact of this variant on FANCA protein function. In summary, the available evidence is currently insufficient to determine the role of this variant in disease. Therefore, it has been classified as a Variant of Uncertain Significance.

Women's Health and Genetics/Laboratory Corporation of America, LabCorp
Classification: Uncertain significance. Last evaluated: 2024-05-21. Review status: criteria provided, single submitter. Criteria: LabCorp Variant Classification Summary - May 2015. Collection method: clinical testing. Allele origin: germline.
Comment: Variant summary: FANCA c.86G>T (p.Arg29Met) results in a non-conservative amino acid change in the encoded protein sequence. Five of five in-silico tools predict a damaging effect of the variant on protein function. The variant allele was found at a frequency of 4e-06 in 251358 control chromosomes (gnomAD). The available data on variant occurrences in the general population are insufficient to allow any conclusion about variant significance. c.86G>T has been reported in the literature in an individual affected with primary ovarian insufficiency (Bestetti_2021). This report does not provide unequivocal conclusions about association of the variant with Fanconi Anemia. To our knowledge, no experimental evidence demonstrating an impact on protein function has been reported. ClinVar contains an entry for this variant (Variation ID: 664241). Based on the evidence outlined above, the variant was classified as uncertain significance.

Natera, Inc.
Classification: Uncertain significance for Fanconi anemia, group A. Last evaluated: 2020-09-16. Review status: no assertion criteria provided. Collection method: clinical testing. Allele origin: germline. Not counted in ClinVar's aggregate classification.

Literature cited by the submitters: PubMed 34480478 (cited by Labcorp Genetics (formerly Invitae), Labcorp and Women's Health and Genetics/Laboratory Corporation of America, LabCorp).